The following is an entry in ClinVar:

ClinVar aggregate classification (germline): Uncertain significance (1 of 4 stars; one submission).

Submission:

CeGaT Center for Human Genetics Tuebingen
Classification: Uncertain significance. Last evaluated: 2022-06-01. Review status: criteria provided, single submitter. Criteria: CeGaT Center For Human Genetics Tuebingen Variant Classification Criteria Version 2. Collection method: clinical testing. Allele origin: germline. Affected: yes. Observed: 1 variant allele.
Comment: DNMT3A: PM2, PP2

NM_022552.5(DNMT3A):c.1385C>A (p.Ala462Glu)

Gene: DNMT3A (DNA methyltransferase 3 alpha; minus strand). Cytogenetic location: 2p23.3.
Variant type: single nucleotide variant.
Coding change: c.1385C>A on transcript NM_022552.5 (MANE Select); coding-DNA position 1385, C replaced by A.
Protein change: p.Ala462Glu; replaces alanine 462 with glutamic acid.
Molecular consequence: missense variant. On other transcripts: non-coding transcript variant (1).
Genome position (GRCh38, 1-based): chr2:25,246,204, G>T on the plus strand (C>A on the coding strand, the complement: DNMT3A is on the minus strand). VCF-style: chr2-25246204-G-T. GRCh37 (hg19) VCF-style: chr2-25469073-G-T.
Other names: c.929C>A, p.Ala310Glu (NM_001320893.1); c.716C>A, p.Ala239Glu (NM_001375819.1); c.818C>A, p.Ala273Glu (NM_153759.3); c.1385C>A, p.Ala462Glu (NM_175629.2); short protein forms A239E, A273E, A310E, A462E.
Identifiers: ClinVar variation 2650723 (VCV002650723.24), dbSNP rs200845575, ClinGen allele CA346072716.